The following is an entry in ClinVar:

ClinVar aggregate classification (germline): Benign/Likely benign. Review status: criteria provided, multiple submitters, no conflicts (2 of 4 stars). 2 submissions from 2 submitters: Benign (1); Likely benign (1). Last evaluated 2026-04-28.

Conditions:
Colorectal cancer, hereditary nonpolyposis, type 7. Identifiers: Orphanet 144, MedGen C1858380, MONDO:0013725, OMIM 614385.

Submissions (2):

Myriad Genetics, Inc.
Classification: Benign for Colorectal cancer, hereditary nonpolyposis, type 7. Last evaluated: 2026-04-28. Review status: criteria provided, single submitter. Criteria: Myriad Autosomal Dominant, Autosomal Recessive and X-Linked Classification Criteria (2023). Collection method: clinical testing. Allele origin: unknown.
Comment: This variant is considered benign. This variant is a silent/synonymous amino acid change and it is not expected to impact splicing.

Ambry Genetics
Classification: Likely benign. Last evaluated: 2020-04-25. Review status: criteria provided, single submitter. Criteria: Ambry Variant Classification Scheme 2023. Collection method: clinical testing. Allele origin: germline.

NM_001040108.2(MLH3):c.27A>T (p.Val9=)

Gene: MLH3 (mutL homolog 3; minus strand). Cytogenetic location: 14q24.3.
Variant type: single nucleotide variant.
Coding change: c.27A>T on transcript NM_001040108.2 (MANE Select); coding-DNA position 27, A replaced by T.
Protein change: p.Val9=; no amino-acid change (valine 9 retained).
Molecular consequence: synonymous variant.
Genome position (GRCh38, 1-based): chr14:75,049,629, T>A on the plus strand (A>T on the coding strand, the complement: MLH3 is on the minus strand). VCF-style: chr14-75049629-T-A. GRCh37 (hg19) VCF-style: chr14-75516332-T-A.
Other names: c.27A>T, p.Val9= (NM_014381.3).
Identifiers: ClinVar variation 1796162 (VCV001796162.3), dbSNP rs2503339476, ClinGen allele CA487177496.
Genomic context (GRCh38, chr14:75,049,629, plus strand): 5'-AAGTTCCTCAACACATTGGCCCAAGGAGCTTATGGCCAAACCAGAACGCAATTTGGCTTG[T>A]ACTTCAACTGACAAGCACTTGATCATGGTAGGTAGAAAGATGGTGAGAATGCCAGGCACT-3'
Protein context (NP_001035197.1, residues 1-19): MIKCLSVE[Val9=]QAKLRSGLAI